The following is an entry in ClinVar:

NM_005422.4(TECTA):c.470dup (p.Ser158fs)

Genes: TBCEL-TECTA (TBCEL-TECTA readthrough; plus strand), TECTA (tectorin alpha; plus strand). Cytogenetic location: 11q23.3.
Variant type: Duplication.
Coding change: c.470dup on transcript NM_005422.4 (MANE Select); coding-DNA position 470, one base duplicated (G; older notation c.470dupG).
Protein change: p.Ser158fs; shifts the reading frame from serine 158.
Molecular consequence: frameshift variant.
Genome position (GRCh38, 1-based): chr11:121,109,482, G duplicated; the last of 2 consecutive G bases (chr11:121,109,481-121,109,482); duplicating either gives the same sequence. VCF-style (leftmost placement, unchanged base first): chr11-121109480-A-AG. GRCh37 (hg19) VCF-style: chr11-120980189-A-AG.
Other names: c.1427dup, p.Ser477fs (NM_001378761.1); short protein forms S158fs, S477fs.
Identifiers: ClinVar variation 3347091 (VCV003347091.1).

ClinVar aggregate classification (germline): Likely pathogenic (0 of 4 stars; one submission).

Conditions:
TECTA-related disorder. Also called: TECTA-related condition.

Submission:

PreventionGenetics, part of Exact Sciences
Classification: Likely pathogenic for TECTA-related condition. Last evaluated: 2024-06-18. Review status: no assertion criteria provided. Collection method: clinical testing. Allele origin: germline.
Comment: The TECTA c.470dupG variant is predicted to result in a frameshift and premature protein termination (p.Ser158Glnfs*55). To our knowledge, this variant has not been reported in the literature. This variant is reported in 0.00088% of alleles in individuals of European (Non-Finnish) descent in gnomAD. Frameshift variants in TECTA are expected to be pathogenic. This variant is interpreted as likely pathogenic.